The following is an entry in ClinVar:

ClinVar aggregate classification (germline): Uncertain significance (1 of 4 stars; one submission).

Conditions:
OPA3-related disorder. Also called: OPA3-related condition.

Submission:

PreventionGenetics, part of Exact Sciences
Classification: Uncertain significance for OPA3-related condition. Last evaluated: 2026-03-05. Review status: criteria provided, single submitter. Criteria: ACMG Guidelines, 2015. Collection method: clinical testing. Allele origin: germline.
Comment: The OPA3 c.416A>C variant is predicted to result in the amino acid substitution p.Gln139Pro. To our knowledge, this variant has not been reported in the literature or in a large population database (gnomAD), indicating this variant is rare. At this time, the clinical significance of this variant is uncertain due to the absence of conclusive functional and genetic evidence.

NM_025136.4(OPA3):c.416A>C (p.Gln139Pro)

Genes: OPA3 (outer mitochondrial membrane lipid metabolism regulator OPA3; minus strand), OPA3-RTN2 (OPA3-RTN2 readthrough; minus strand). Cytogenetic location: 19q13.32.
Variant type: single nucleotide variant.
Coding change: c.416A>C on transcript NM_025136.4 (MANE Select); coding-DNA position 416, A replaced by C.
Protein change: p.Gln139Pro; replaces glutamine 139 with proline.
Molecular consequence: missense variant. On other transcripts: intron variant (1).
Genome position (GRCh38, 1-based): chr19:45,553,638, T>G on the plus strand (A>C on the coding strand, the complement: OPA3 is on the minus strand). VCF-style: chr19-45553638-T-G. GRCh37 (hg19) VCF-style: chr19-46056896-T-G.
Other names: c.143-24182A>C (NM_001017989.3); short protein forms Q139P.
Identifiers: ClinVar variation 4992788 (VCV004992788.1).